The following is an entry in ClinVar:

NM_139058.3(ARX):c.825C>T (p.Ala275=)

Gene: ARX (aristaless related homeobox; minus strand). Cytogenetic location: Xp21.3.
Variant type: single nucleotide variant.
Coding change: c.825C>T on transcript NM_139058.3 (MANE Select); coding-DNA position 825, C replaced by T.
Protein change: p.Ala275=; no amino-acid change (alanine 275 retained).
Molecular consequence: synonymous variant.
Genome position (GRCh38, 1-based): chrX:25,013,170, G>A on the plus strand (C>T on the coding strand, the complement: ARX is on the minus strand). VCF-style: chrX-25013170-G-A. GRCh37 (hg19) VCF-style: chrX-25031287-G-A.
Identifiers: ClinVar variation 416372 (VCV000416372.10), dbSNP rs922800521, ClinGen allele CA16616649.
Genomic context (GRCh38, chrX:25,013,170, plus strand): 5'-CAGCTCCTCCTTGGGTGACAGCTCCCCGCCCTCTGTGGCCACTGCAGCGGCAGCTGCTGC[G>A]GCCACGGCGCCAGTGGCGGCCACAGGACAGCGCCGGGGCTCCTTGAGCAGCGCGCGGGCG-3'
Protein context (NP_620689.1, residues 265-285): RCPVAATGAV[Ala275=]AAAAAAVATE

ClinVar aggregate classification (germline): Conflicting classifications of pathogenicity. Review status: criteria provided, conflicting classifications (1 of 4 stars). 2 submissions from 2 submitters: Uncertain significance (1); Likely benign (1). Last evaluated 2025-04-27.

Conditions:
Intellectual disability, X-linked, with or without seizures, ARX-related. Also called: MENTAL RETARDATION, X-LINKED 29; MENTAL RETARDATION, X-LINKED 32; MENTAL RETARDATION, X-LINKED 33; MENTAL RETARDATION, X-LINKED 38; MENTAL RETARDATION, X-LINKED 43; MENTAL RETARDATION, X-LINKED 76. Identifiers: Orphanet 777, MedGen C0796244, MONDO:0010317, OMIM 300419.
Developmental and epileptic encephalopathy, 1 (DEE1). Also called: X-linked infantile spasms; West's syndrome; Tonic spasms with clustering, arrest of psychomotor development and hypsarrhythmia on EEG; X-Linked Infantile Spasm Syndrome; OHTAHARA SYNDROME, X-LINKED; INFANTILE SPASM SYNDROME, X-LINKED 1. Identifiers: MedGen C3463992, MONDO:0010632, OMIM 308350. Disease mechanism: loss of function.

Allele frequency attached by ClinVar (database versions not stated): gnomAD exomes below 0.00001 and 0.00001; gnomAD 0.00001; TOPMed 0.00001.
gnomAD v4.1: 6 of 1,190,442 alleles (0.0005%); highest among the groups gnomAD compares: East Asian, 0.0091%; no homozygotes.

Submissions (2):

Labcorp Genetics (formerly Invitae), Labcorp
Classification: Likely benign for Developmental and epileptic encephalopathy, 1; Intellectual disability, X-linked, with or without seizures, ARX-related. Last evaluated: 2025-04-27. Review status: criteria provided, single submitter. Criteria: Invitae Variant Classification Sherloc (09022015). Collection method: clinical testing. Allele origin: germline.

GeneDx
Classification: Uncertain significance. Last evaluated: 2024-10-30. Review status: criteria provided, single submitter. Criteria: GeneDx Variant Classification Process June 2021. Collection method: clinical testing. Allele origin: germline. Affected: yes.
Comment: In silico analysis indicates that this variant does not alter splicing; Has not been previously published as pathogenic or benign to our knowledge